The following is an entry in ClinVar:

ClinVar aggregate classification (germline): Benign/Likely benign. Review status: criteria provided, multiple submitters, no conflicts (2 of 4 stars). 5 submissions from 5 submitters: Benign (3); Likely benign (2). Last evaluated 2024-11-18.

Conditions:
Myoclonic epilepsy, juvenile, susceptibility to, 1. Also called: Myoclonic Epilepsy, Juvenile, 1; EJM1. Identifiers: MedGen C1850778, MONDO:0020752, OMIM 254770.
Absence seizure. Also called: Absence epilepsy. Identifiers: Orphanet 1941, MedGen C0014553.

Allele frequency attached by ClinVar (database versions not stated): ESP Exome Variant Server 0.00046; TOPMed 0.00053; gnomAD 0.00058 and 0.00063; ExAC 0.00079; gnomAD exomes 0.00087 and 0.00088.
gnomAD v4.1: 1,356 of 1,613,990 alleles (0.084%); highest among the groups gnomAD compares: Non-Finnish European, 0.093%; 2 homozygotes.

Submissions (5):

Blueprint Genetics
Classification: Likely benign. Last evaluated: 2024-11-18. Review status: criteria provided, single submitter. Criteria: ACMG Guidelines, 2015. Collection method: clinical testing. Allele origin: germline.

Labcorp Genetics (formerly Invitae), Labcorp
Classification: Benign for Myoclonic epilepsy, juvenile, susceptibility to, 1; Absence seizure. Last evaluated: 2024-10-30. Review status: criteria provided, single submitter. Criteria: Invitae Variant Classification Sherloc (09022015). Collection method: clinical testing. Allele origin: germline.

Eurofins Ntd Llc (ga)
Classification: Likely benign. Last evaluated: 2017-07-31. Review status: criteria provided, single submitter. Criteria: EGL Classification Definitions 2015. Collection method: clinical testing. Allele origin: germline. Observed: 1 variant allele, 1 heterozygote.

Athena Diagnostics
Classification: Benign. Last evaluated: 2017-04-28. Review status: criteria provided, single submitter. Criteria: Athena Diagnostics Criteria. Collection method: clinical testing. Allele origin: germline.

GeneDx
Classification: Benign. Last evaluated: 2014-04-02. Review status: criteria provided, single submitter. Criteria: GeneDx Variant Classification (06012015). Collection method: clinical testing. Allele origin: germline. Affected: yes.
Comment: This variant is considered likely benign or benign based on one or more of the following criteria: it is a conservative change, it occurs at a poorly conserved position in the protein, it is predicted to be benign by multiple in silico algorithms, and/or has population frequency not consistent with disease.

NM_018100.4(EFHC1):c.64-5T>C

Gene: EFHC1 (EF-hand domain containing 1; plus strand). Cytogenetic location: 6p12.2.
Variant type: single nucleotide variant.
Coding change: c.64-5T>C on transcript NM_018100.4 (MANE Select); 5 bases into the intron before coding-DNA position 64, T replaced by C.
Molecular consequence: intron variant.
Genome position (GRCh38, 1-based): chr6:52,423,941, T>C. VCF-style: chr6-52423941-T-C. GRCh37 (hg19) VCF-style: chr6-52288739-T-C.
Other names: c.7-5T>C (NM_001172420.2).
Identifiers: ClinVar variation 137193 (VCV000137193.21), dbSNP rs201860746, ClinGen allele CA290710.